The following is an entry in ClinVar:

ClinVar aggregate classification (germline): Uncertain significance (1 of 4 stars; one submission).

Conditions:
Epidermodysplasia verruciformis. Identifiers: Orphanet 302, MedGen C0014522, MONDO:0009176.

Allele frequency attached by ClinVar (database versions not stated): gnomAD exomes below 0.00001 and 0.00002; gnomAD 0.00001; ExAC 0.00002; TOPMed 0.00002.
gnomAD v4.1: 31 of 1,601,698 alleles (0.0019%); highest among the groups gnomAD compares: Non-Finnish European, 0.0025%; no homozygotes.

Submission:

Labcorp Genetics (formerly Invitae), Labcorp
Classification: Uncertain significance for Epidermodysplasia verruciformis. Last evaluated: 2022-12-06. Review status: criteria provided, single submitter. Criteria: Invitae Variant Classification Sherloc (09022015). Collection method: clinical testing. Allele origin: germline.
Comment: In summary, the available evidence is currently insufficient to determine the role of this variant in disease. Therefore, it has been classified as a Variant of Uncertain Significance. Algorithms developed to predict the effect of missense changes on protein structure and function (SIFT, PolyPhen-2, Align-GVGD) all suggest that this variant is likely to be tolerated. ClinVar contains an entry for this variant (Variation ID: 836154). This variant has not been reported in the literature in individuals affected with TMC8-related conditions. The frequency data for this variant in the population databases is considered unreliable, as metrics indicate poor data quality at this position in the gnomAD database. This sequence change replaces alanine, which is neutral and non-polar, with threonine, which is neutral and polar, at codon 698 of the TMC8 protein (p.Ala698Thr).

NM_152468.5(TMC8):c.2092G>A (p.Ala698Thr)

Gene: TMC8 (transmembrane channel like 8; plus strand). Cytogenetic location: 17q25.3.
Variant type: single nucleotide variant.
Coding change: c.2092G>A on transcript NM_152468.5 (MANE Select); coding-DNA position 2092, G replaced by A.
Protein change: p.Ala698Thr; replaces alanine 698 with threonine.
Molecular consequence: missense variant.
Genome position (GRCh38, 1-based): chr17:78,141,023, G>A. VCF-style: chr17-78141023-G-A. GRCh37 (hg19) VCF-style: chr17-76137104-G-A.
Other names: short protein forms A698T.
Identifiers: ClinVar variation 836154 (VCV000836154.8), dbSNP rs781413576, ClinGen allele CA8797127.